The following is an entry in ClinVar:

ClinVar aggregate classification (germline): Benign/Likely benign. Review status: criteria provided, multiple submitters, no conflicts (2 of 4 stars). 6 submissions from 6 submitters: Benign (2); Likely benign (4). Last evaluated 2026-02-03.

Conditions:
Tuberous sclerosis syndrome (TSC). Also called: Tuberous Sclerosis Complex; Tuberous sclerosis. Identifiers: Orphanet 805, MedGen C0041341, MONDO:0001734.
Tuberous sclerosis 2 (TSC2). Identifiers: Orphanet 805, MedGen C1860707, MONDO:0013199, OMIM 613254.
Lymphangiomyomatosis (LAM). Also called: Lymphangioleiomyomatosis; Lymphangioleiomyomatosis, somatic. Identifiers: Orphanet 538, MedGen C0751674, MONDO:0011705, OMIM 606690.
Isolated focal cortical dysplasia type II (FCORD2). Also called: CORTICAL DYSPLASIA OF TAYLOR; Focal cortical dysplasia type II. Identifiers: Orphanet 268994, MedGen C1846385, MONDO:0011818, OMIM 607341, HP:0032051.

Allele frequency attached by ClinVar (database versions not stated): gnomAD 0.00006; TOPMed 0.00007.
gnomAD v4.1: 130 of 1,613,168 alleles (0.0081%); highest among the groups gnomAD compares: Non-Finnish European, 0.01%; no homozygotes.

Submissions (6):

Labcorp Genetics (formerly Invitae), Labcorp
Classification: Likely benign for Tuberous sclerosis 2. Last evaluated: 2026-02-03. Review status: criteria provided, single submitter. Criteria: Invitae Variant Classification Sherloc (09022015). Collection method: clinical testing. Allele origin: germline.

Myriad Genetics, Inc.
Classification: Benign for Tuberous sclerosis 2. Last evaluated: 2025-05-15. Review status: criteria provided, single submitter. Criteria: Myriad Autosomal Dominant, Autosomal Recessive and X-Linked Classification Criteria (2023). Collection method: clinical testing. Allele origin: unknown.
Comment: This variant is considered benign. This variant is intronic and is not expected to impact mRNA splicing. This variant has been observed at a population frequency that is significantly greater than expected given the associated disease prevalence and penetrance.

All of Us Research Program, National Institutes of Health
Classification: Likely benign for Tuberous sclerosis syndrome. Last evaluated: 2024-01-11. Review status: criteria provided, single submitter. Criteria: ACMG Guidelines, 2015. Collection method: clinical testing. Allele origin: germline. Inheritance: Autosomal dominant inheritance. Observed: 19 variant alleles, 19 heterozygotes.
Comment: This study involves interpretation of variants in research participants for the purpose of population health screening. Participant phenotype was not available at the time of variant classification. Additional details can be found in publication PMID: 35346344, PMCID: PMC8962531

Color Diagnostics, LLC DBA Color Health
Classification: Likely benign for Tuberous sclerosis syndrome. Last evaluated: 2022-11-08. Review status: criteria provided, single submitter. Criteria: ACMG Guidelines, 2015. Collection method: clinical testing. Allele origin: germline.

Fulgent Genetics
Classification: Likely benign for Lymphangiomyomatosis; Isolated focal cortical dysplasia type II; Tuberous sclerosis 2. Last evaluated: 2022-02-24. Review status: criteria provided, single submitter. Criteria: ACMG Guidelines, 2015. Collection method: clinical testing. Allele origin: unknown.

GeneDx
Classification: Benign. Last evaluated: 2014-09-03. Review status: criteria provided, single submitter. Criteria: GeneDx Variant Classification (06012015). Collection method: clinical testing. Allele origin: germline. Affected: yes.
Comment: This variant is considered likely benign or benign based on one or more of the following criteria: it is a conservative change, it occurs at a poorly conserved position in the protein, it is predicted to be benign by multiple in silico algorithms, and/or has population frequency not consistent with disease.

NM_000548.5(TSC2):c.1717-15G>T

Gene: TSC2 (TSC complex subunit 2; plus strand). Cytogenetic location: 16p13.3.
Variant type: single nucleotide variant.
Coding change: c.1717-15G>T on transcript NM_000548.5 (MANE Select); 15 bases into the intron before coding-DNA position 1717, G replaced by T.
Molecular consequence: intron variant.
Genome position (GRCh38, 1-based): chr16:2,070,441, G>T. VCF-style: chr16-2070441-G-T. GRCh37 (hg19) VCF-style: chr16-2120442-G-T.
Other names: c.1717-15G>T (NM_001114382.3, NM_021055.3, NM_001370405.1 and 3 more transcripts); c.1606-15G>T (NM_001318827.2); c.1117-15G>T (NM_001318831.2); c.1570-15G>T (NM_001318829.2); c.1750-15G>T (NM_001318832.2).
Identifiers: ClinVar variation 207662 (VCV000207662.14), dbSNP rs372949465, ClinGen allele CA032792.